The following is an entry in ClinVar:

ClinVar aggregate classification (germline): Uncertain significance (1 of 4 stars; one submission).

Submission:

Labcorp Genetics (formerly Invitae), Labcorp
Classification: Uncertain significance. Last evaluated: 2023-02-16. Review status: criteria provided, single submitter. Criteria: Invitae Variant Classification Sherloc (09022015). Collection method: clinical testing. Allele origin: germline.
Comment: This sequence change replaces phenylalanine, which is neutral and non-polar, with serine, which is neutral and polar, at codon 699 of the AEBP1 protein (p.Phe699Ser). This variant is not present in population databases (gnomAD no frequency). In summary, the available evidence is currently insufficient to determine the role of this variant in disease. Therefore, it has been classified as a Variant of Uncertain Significance. Algorithms developed to predict the effect of missense changes on protein structure and function output the following: SIFT: "Not Available"; PolyPhen-2: "Possibly Damaging"; Align-GVGD: "Not Available". The serine amino acid residue is found in multiple mammalian species, which suggests that this missense change does not adversely affect protein function. This variant has not been reported in the literature in individuals affected with AEBP1-related conditions.

NM_001129.5(AEBP1):c.2096T>C (p.Phe699Ser)

Gene: AEBP1 (AE binding protein 1; plus strand). Cytogenetic location: 7p13.
Variant type: single nucleotide variant.
Coding change: c.2096T>C on transcript NM_001129.5 (MANE Select); coding-DNA position 2096, T replaced by C.
Protein change: p.Phe699Ser; replaces phenylalanine 699 with serine.
Molecular consequence: missense variant.
Genome position (GRCh38, 1-based): chr7:44,112,200, T>C. VCF-style: chr7-44112200-T-C. GRCh37 (hg19) VCF-style: chr7-44151799-T-C.
Other names: short protein forms F699S.
Identifiers: ClinVar variation 2965848 (VCV002965848.3), dbSNP rs2484357141, ClinGen allele CA367368304.